The following is an entry in ClinVar:

ClinVar aggregate classification (germline): Uncertain significance. Review status: criteria provided, multiple submitters, no conflicts (2 of 4 stars). 2 submissions from 2 submitters: Uncertain significance (2). Last evaluated 2024-03-25.

Conditions:
Charcot-Marie-Tooth disease type 2. Also called: Charcot-Marie-Tooth type 2. Identifiers: Orphanet 64746, MedGen C0270914, MONDO:0018993.
Inborn genetic diseases. Identifiers: MedGen C0950123, MeSH D030342.

Submissions (2):

Ambry Genetics
Classification: Uncertain significance for Inborn genetic diseases. Last evaluated: 2024-03-25. Review status: criteria provided, single submitter. Criteria: Ambry Variant Classification Scheme 2023. Collection method: clinical testing. Allele origin: germline.

Labcorp Genetics (formerly Invitae), Labcorp
Classification: Uncertain significance for Charcot-Marie-Tooth disease type 2. Last evaluated: 2023-11-24. Review status: criteria provided, single submitter. Criteria: Invitae Variant Classification Sherloc (09022015). Collection method: clinical testing. Allele origin: germline.
Comment: This sequence change replaces lysine, which is basic and polar, with arginine, which is basic and polar, at codon 824 of the AARS protein (p.Lys824Arg). This variant is not present in population databases (gnomAD no frequency). This variant has not been reported in the literature in individuals affected with AARS-related conditions. ClinVar contains an entry for this variant (Variation ID: 1682121). Advanced modeling of protein sequence and biophysical properties (such as structural, functional, and spatial information, amino acid conservation, physicochemical variation, residue mobility, and thermodynamic stability) performed at Invitae indicates that this missense variant is not expected to disrupt AARS protein function with a negative predictive value of 95%. In summary, the available evidence is currently insufficient to determine the role of this variant in disease. Therefore, it has been classified as a Variant of Uncertain Significance.

NM_001605.3(AARS1):c.2471A>G (p.Lys824Arg)

Gene: AARS1 (alanyl-tRNA synthetase 1; minus strand). Cytogenetic location: 16q22.1.
Variant type: single nucleotide variant.
Coding change: c.2471A>G on transcript NM_001605.3 (MANE Select); coding-DNA position 2471, A replaced by G.
Protein change: p.Lys824Arg; replaces lysine 824 with arginine.
Molecular consequence: missense variant.
Genome position (GRCh38, 1-based): chr16:70,253,968, T>C on the plus strand (A>G on the coding strand, the complement: AARS1 is on the minus strand). VCF-style: chr16-70253968-T-C. GRCh37 (hg19) VCF-style: chr16-70287871-T-C.
Other names: c.2471A>G (NM_001605.2); short protein forms K824R.
Identifiers: ClinVar variation 1682121 (VCV001682121.9), dbSNP rs2152150233, ClinGen allele CA396555322.